The following is an entry in ClinVar:

ClinVar aggregate classification (germline): Uncertain significance (1 of 4 stars; one submission).

Submission:

Labcorp Genetics (formerly Invitae), Labcorp
Classification: Uncertain significance. Last evaluated: 2025-11-24. Review status: criteria provided, single submitter. Criteria: Invitae Variant Classification Sherloc (09022015). Collection method: clinical testing. Allele origin: germline.
Comment: This sequence change disrupts the translational stop signal of the ZNF513 mRNA. It is expected to extend the length of the ZNF513 protein by 29 additional amino acid residues. This variant is not present in population databases (gnomAD no frequency). This variant has not been reported in the literature in individuals affected with ZNF513-related conditions. Experimental studies and prediction algorithms are not available or were not evaluated, and the functional significance of this variant is currently unknown. In summary, the available evidence is currently insufficient to determine the role of this variant in disease. Therefore, it has been classified as a Variant of Uncertain Significance.

NM_144631.6(ZNF513):c.1625G>C (p.Ter542Ser)

Gene: ZNF513 (zinc finger protein 513; minus strand). Cytogenetic location: 2p23.3.
Variant type: single nucleotide variant.
Coding change: c.1625G>C on transcript NM_144631.6 (MANE Select); coding-DNA position 1625, G replaced by C.
Protein change: p.Ter542Ser.
Molecular consequence: stop lost.
Genome position (GRCh38, 1-based): chr2:27,377,546, C>G on the plus strand (G>C on the coding strand, the complement: ZNF513 is on the minus strand). VCF-style: chr2-27377546-C-G. GRCh37 (hg19) VCF-style: chr2-27600413-C-G.
Other names: c.1439G>C, p.Ter480Ser (NM_001201459.2).
Identifiers: ClinVar variation 4721030 (VCV004721030.1).
Genomic context (GRCh38, chr2:27,377,546, plus strand): 5'-GGGGAGAAAAAGGTGGCTTCTGGTCCGTCTGTATAAAACATGGGGAAGAAGGACCTAGTT[C>G]AGGATGAGTCTGTGTGGACAGCCCGGCTGCCAGCAGTCCCCAGGGCTGGTGGGCCCCGAG-3'